The following is an entry in ClinVar:

ClinVar aggregate classification (germline): Uncertain significance. Review status: criteria provided, multiple submitters, no conflicts (2 of 4 stars). 2 submissions from 2 submitters: Uncertain significance (2). Last evaluated 2025-09-02.

Conditions:
Cardiovascular phenotype. Identifiers: MedGen CN230736.
Hereditary cancer-predisposing syndrome. Also called: Hereditary neoplastic syndrome; Tumor predisposition; Neoplastic Syndromes, Hereditary; Hereditary Cancer Syndrome. Identifiers: Orphanet 140162, MedGen C0027672, MeSH D009386, MONDO:0015356.
Neurofibromatosis, type 1 (NF1). Also called: VON RECKLINGHAUSEN DISEASE; NEUROFIBROMATOSIS, TYPE I, SOMATIC; Peripheral type neurofibromatosis; Neurofibromatosis, type I. Identifiers: Orphanet 636, MedGen C0027831, MONDO:0018975, OMIM 162200. Disease mechanism: loss of function.

Allele frequency attached by ClinVar (database versions not stated): gnomAD exomes below 0.00001; ExAC 0.00001.
gnomAD v4.1: 2 of 1,607,896 alleles (0.00012%); highest among the groups gnomAD compares: South Asian, 0.0011%; no homozygotes.

Submissions (2):

Ambry Genetics
Classification: Uncertain significance for Cardiovascular phenotype; Hereditary cancer-predisposing syndrome. Last evaluated: 2025-09-02. Review status: criteria provided, single submitter. Criteria: Ambry Variant Classification Scheme 2023. Collection method: clinical testing. Allele origin: germline.
Comment: The p.Y1044C variant (also known as c.3131A>G), located in coding exon 24 of the NF1 gene, results from an A to G substitution at nucleotide position 3131. The tyrosine at codon 1044 is replaced by cysteine, an amino acid with highly dissimilar properties. This amino acid position is highly conserved in available vertebrate species. In addition, the in silico prediction for this alteration is inconclusive. Based on the available evidence, the clinical significance of this variant remains unclear.

Labcorp Genetics (formerly Invitae), Labcorp
Classification: Uncertain significance for Neurofibromatosis, type 1. Last evaluated: 2023-03-24. Review status: criteria provided, single submitter. Criteria: Invitae Variant Classification Sherloc (09022015). Collection method: clinical testing. Allele origin: germline.
Comment: In summary, the available evidence is currently insufficient to determine the role of this variant in disease. Therefore, it has been classified as a Variant of Uncertain Significance. Advanced modeling of protein sequence and biophysical properties (such as structural, functional, and spatial information, amino acid conservation, physicochemical variation, residue mobility, and thermodynamic stability) performed at Invitae indicates that this missense variant is expected to disrupt NF1 protein function. ClinVar contains an entry for this variant (Variation ID: 949833). This variant has not been reported in the literature in individuals affected with NF1-related conditions. This variant is present in population databases (rs747274278, gnomAD 0.0009%). This sequence change replaces tyrosine, which is neutral and polar, with cysteine, which is neutral and slightly polar, at codon 1044 of the NF1 protein (p.Tyr1044Cys).

NM_001042492.3(NF1):c.3131A>G (p.Tyr1044Cys)

Gene: NF1 (neurofibromin 1; plus strand). Cytogenetic location: 17q11.2.
Variant type: single nucleotide variant.
Coding change: c.3131A>G on transcript NM_001042492.3 (MANE Select); coding-DNA position 3131, A replaced by G.
Protein change: p.Tyr1044Cys; replaces tyrosine 1044 with cysteine.
Molecular consequence: missense variant.
Genome position (GRCh38, 1-based): chr17:31,230,859, A>G. VCF-style: chr17-31230859-A-G. GRCh37 (hg19) VCF-style: chr17-29557877-A-G.
Other names: c.3131A>G, p.Tyr1044Cys (NM_000267.4); short protein forms Y1044C.
Identifiers: ClinVar variation 949833 (VCV000949833.7), dbSNP rs747274278, ClinGen allele CA8486099.